The following is an entry in ClinVar:

ClinVar aggregate classification (germline): Uncertain significance (1 of 4 stars; one submission).

Conditions:
Hereditary cancer-predisposing syndrome. Also called: Tumor predisposition; Neoplastic Syndromes, Hereditary; Hereditary Cancer Syndrome; Hereditary neoplastic syndrome. Identifiers: Orphanet 140162, MedGen C0027672, MeSH D009386, MONDO:0015356.

Submission:

Ambry Genetics
Classification: Uncertain significance for Hereditary cancer-predisposing syndrome. Last evaluated: 2025-01-23. Review status: criteria provided, single submitter. Criteria: Ambry Variant Classification Scheme 2023. Collection method: clinical testing. Allele origin: germline.
Comment: The p.G746V variant (also known as c.2237G>T), located in coding exon 15 of the APC gene, results from a G to T substitution at nucleotide position 2237. The glycine at codon 746 is replaced by valine, an amino acid with dissimilar properties. This amino acid position is conserved. In addition, in silico predictors for this gene do not accurately predict pathogenicity. Based on the available evidence, the clinical significance of this variant remains unclear.

NM_000038.6(APC):c.2237G>T (p.Gly746Val)

Gene: APC (APC regulator of Wnt signaling pathway; plus strand). Cytogenetic location: 5q22.2.
Variant type: single nucleotide variant.
Coding change: c.2237G>T on transcript NM_000038.6 (MANE Select); coding-DNA position 2237, G replaced by T.
Protein change: p.Gly746Val; replaces glycine 746 with valine.
Molecular consequence: missense variant. On other transcripts: non-coding transcript variant (2).
Genome position (GRCh38, 1-based): chr5:112,837,831, G>T. VCF-style: chr5-112837831-G-T. GRCh37 (hg19) VCF-style: chr5-112173528-G-T.
Other names: c.2237G>T, p.Gly746Val (NM_001127510.3, NM_001354895.2, NM_001407450.1); c.2183G>T, p.Gly728Val (NM_001127511.3); c.2291G>T, p.Gly764Val (NM_001354896.2, NM_001407447.1, NM_001407448.1 and 1 more transcripts); c.2267G>T, p.Gly756Val (NM_001354897.2); c.2162G>T, p.Gly721Val (NM_001354898.2); c.2153G>T, p.Gly718Val (NM_001354899.2); c.2114G>T, p.Gly705Val (NM_001354900.2); c.2060G>T, p.Gly687Val (NM_001354901.2, NM_001407453.1); and 11 more; short protein forms G362V, G617V, G645V, G721V, G746V, G463V, G586V, G718V.
Identifiers: ClinVar variation 3881936 (VCV003881936.1).